The following is an entry in ClinVar:

ClinVar aggregate classification (germline): Likely pathogenic (1 of 4 stars; one submission).

gnomAD v4.1: 11 of 1,612,064 alleles (0.00068%); highest among the groups gnomAD compares: Non-Finnish European, 0.00093%; no homozygotes.

Submission:

Labcorp Genetics (formerly Invitae), Labcorp
Classification: Likely pathogenic. Last evaluated: 2024-09-24. Review status: criteria provided, single submitter. Criteria: Invitae Variant Classification Sherloc (09022015). Collection method: clinical testing. Allele origin: germline.
Comment: This sequence change affects an acceptor splice site in intron 2 of the TTLL5 gene. It is expected to disrupt RNA splicing. Variants that disrupt the donor or acceptor splice site typically lead to a loss of protein function (PMID: 16199547), and loss-of-function variants in TTLL5 are known to be pathogenic (PMID: 24791901, 27162334). This variant is not present in population databases (gnomAD no frequency). This variant has not been reported in the literature in individuals affected with TTLL5-related conditions. ClinVar contains an entry for this variant (Variation ID: 972636). Algorithms developed to predict the effect of sequence changes on RNA splicing suggest that this variant may disrupt the consensus splice site. In summary, the currently available evidence indicates that the variant is pathogenic, but additional data are needed to prove that conclusively. Therefore, this variant has been classified as Likely Pathogenic.

Literature cited by the submitters: PubMed 16199547; PubMed 24791901; PubMed 27162334.

NM_015072.5(TTLL5):c.75-2A>G

Gene: TTLL5 (tubulin tyrosine ligase like 5; plus strand). Cytogenetic location: 14q24.3.
Variant type: single nucleotide variant.
Coding change: c.75-2A>G on transcript NM_015072.5 (MANE Select); the canonical splice acceptor site of the intron before coding-DNA position 75, A replaced by G.
Molecular consequence: splice acceptor variant.
Genome position (GRCh38, 1-based): chr14:75,669,414, A>G. VCF-style: chr14-75669414-A-G. GRCh37 (hg19) VCF-style: chr14-76135757-A-G.
Identifiers: ClinVar variation 972636 (VCV000972636.8), dbSNP rs1314926139, ClinGen allele CA390465459.